The following is an entry in ClinVar:

ClinVar aggregate classification (germline): Uncertain significance (1 of 4 stars; one submission).

Conditions:
Autosomal recessive severe congenital neutropenia due to CSF3R deficiency. Also called: Neutropenia, severe congenital, 7, autosomal recessive. Identifiers: Orphanet 420702, MedGen C4310764, MONDO:0014865, OMIM 617014.

Submission:

Labcorp Genetics (formerly Invitae), Labcorp
Classification: Uncertain significance for Autosomal recessive severe congenital neutropenia due to CSF3R deficiency. Last evaluated: 2020-08-05. Review status: criteria provided, single submitter. Criteria: Invitae Variant Classification Sherloc (09022015). Collection method: clinical testing. Allele origin: germline.
Comment: This sequence change falls in intron 11 of the CSF3R gene. It does not directly change the encoded amino acid sequence of the CSF3R protein, but it affects a nucleotide within the consensus splice site of the intron. This variant is not present in population databases (ExAC no frequency). This variant has not been reported in the literature in individuals with CSF3R-related conditions. Nucleotide substitutions within the consensus splice site are a relatively common cause of aberrant splicing (PMID: 17576681, 9536098). Algorithms developed to predict the effect of sequence changes on RNA splicing suggest that this variant is not likely to affect RNA splicing, but this prediction has not been confirmed by published transcriptional studies. In summary, the available evidence is currently insufficient to determine the role of this variant in disease. Therefore, it has been classified as a Variant of Uncertain Significance.

Literature cited by the submitters: PubMed 17576681; PubMed 9536098.

NM_000760.4(CSF3R):c.1474+3G>A

Gene: CSF3R (colony stimulating factor 3 receptor; minus strand). Cytogenetic location: 1p34.3.
Variant type: single nucleotide variant.
Coding change: c.1474+3G>A on transcript NM_000760.4 (MANE Select); 3 bases into the intron after coding-DNA position 1474, G replaced by A.
Molecular consequence: intron variant.
Genome position (GRCh38, 1-based): chr1:36,469,649, C>T on the plus strand (G>A on the coding strand, the complement: CSF3R is on the minus strand). VCF-style: chr1-36469649-C-T. GRCh37 (hg19) VCF-style: chr1-36935250-C-T.
Other names: c.1474+3G>A (NM_156039.3, NM_172313.3).
Identifiers: ClinVar variation 1057370 (VCV001057370.7), dbSNP rs2124109417, ClinGen allele CA2499214697.